The following is an entry in ClinVar:

NM_206933.4(USH2A):c.1645-2A>T

Gene: USH2A (usherin; minus strand). Cytogenetic location: 1q41.
Variant type: single nucleotide variant.
Coding change: c.1645-2A>T on transcript NM_206933.4 (MANE Select); the canonical splice acceptor site of the intron before coding-DNA position 1645, A replaced by T.
Molecular consequence: splice acceptor variant.
Genome position (GRCh38, 1-based): chr1:216,292,372, T>A on the plus strand (A>T on the coding strand, the complement: USH2A is on the minus strand). VCF-style: chr1-216292372-T-A. GRCh37 (hg19) VCF-style: chr1-216465714-T-A.
Other names: c.1645-2A>T (NM_007123.6).
Identifiers: ClinVar variation 2770460 (VCV002770460.3), dbSNP rs2528257197, ClinGen allele CA344903660.

ClinVar aggregate classification (germline): Pathogenic (1 of 4 stars; one submission).

Submission:

Labcorp Genetics (formerly Invitae), Labcorp
Classification: Pathogenic. Last evaluated: 2023-10-22. Review status: criteria provided, single submitter. Criteria: Invitae Variant Classification Sherloc (09022015). Collection method: clinical testing. Allele origin: germline.
Comment: This sequence change affects an acceptor splice site in intron 9 of the USH2A gene. It is expected to disrupt RNA splicing. Variants that disrupt the donor or acceptor splice site typically lead to a loss of protein function (PMID: 16199547), and loss-of-function variants in USH2A are known to be pathogenic (PMID: 10729113, 10909849, 20507924, 25649381). This variant is not present in population databases (gnomAD no frequency). Disruption of this splice site has been observed in individual(s) with Usher syndrome type 2 (PMID: 29625443). Algorithms developed to predict the effect of sequence changes on RNA splicing suggest that this variant may disrupt the consensus splice site. For these reasons, this variant has been classified as Pathogenic.

Literature cited by the submitters: PubMed 16199547; PubMed 10729113; PubMed 10909849; PubMed 20507924; PubMed 25649381; PubMed 29625443.